The following is an entry in ClinVar:

ClinVar aggregate classification (germline): Uncertain significance (1 of 4 stars; one submission).

Submission:

Labcorp Genetics (formerly Invitae), Labcorp
Classification: Uncertain significance. Last evaluated: 2024-09-05. Review status: criteria provided, single submitter. Criteria: Invitae Variant Classification Sherloc (09022015). Collection method: clinical testing. Allele origin: germline.
Comment: This sequence change replaces threonine, which is neutral and polar, with methionine, which is neutral and non-polar, at codon 297 of the RECQL protein (p.Thr297Met). This variant is present in population databases (no rsID available, gnomAD 0.0004%). This variant has not been reported in the literature in individuals affected with RECQL-related conditions. An algorithm developed to predict the effect of missense changes on protein structure and function (PolyPhen-2) suggests that this variant is likely to be tolerated. In summary, the available evidence is currently insufficient to determine the role of this variant in disease. Therefore, it has been classified as a Variant of Uncertain Significance.

NM_002907.4(RECQL):c.890_891delinsTG (p.Thr297Met)

Gene: RECQL (RecQ like helicase; minus strand). Cytogenetic location: 12p12.1.
Variant type: Indel.
Coding change: c.890_891delinsTG on transcript NM_002907.4 (MANE Select); coding-DNA positions 890 to 891, CT replaced by TG.
Protein change: p.Thr297Met; replaces threonine 297 with methionine.
Molecular consequence: missense variant.
Genome position (GRCh38, 1-based): chr12:21,476,969-21,476,970, AG replaced by CA on the plus strand (CT replaced by TG on the coding strand, the reverse complement: RECQL is on the minus strand). VCF-style: chr12-21476969-AG-CA. GRCh37 (hg19) VCF-style: chr12-21629903-AG-CA.
Other names: c.890_891delinsTG, p.Thr297Met (NM_032941.3); short protein forms T297M.
Identifiers: ClinVar variation 2868231 (VCV002868231.3), dbSNP rs2540352196, ClinGen allele CA2739271884.